The following is an entry in ClinVar:

ClinVar aggregate classification (germline): Uncertain significance. Review status: criteria provided, multiple submitters, no conflicts (2 of 4 stars). 3 submissions from 3 submitters: Uncertain significance (3). Last evaluated 2024-10-01.

Conditions:
Inborn genetic diseases. Identifiers: MedGen C0950123, MeSH D030342.
Palmoplantar keratoderma-esophageal carcinoma syndrome (TOC). Also called: Tylosis with Esophageal Cancer; KERATOSIS PALMARIS ET PLANTARIS WITH ESOPHAGEAL CANCER; PALMOPLANTAR KERATODERMA WITH ESOPHAGEAL CANCER. Identifiers: Orphanet 2198, MedGen C1835664, MONDO:0007856, OMIM 148500.

Allele frequency attached by ClinVar (database versions not stated): gnomAD exomes below 0.00001.
gnomAD v4.1: 6 of 1,605,234 alleles (0.00037%); highest among the groups gnomAD compares: South Asian, 0.0055%; no homozygotes.

Submissions (3):

Ambry Genetics
Classification: Uncertain significance for Inborn genetic diseases. Last evaluated: 2024-10-01. Review status: criteria provided, single submitter. Criteria: Ambry Variant Classification Scheme 2023. Collection method: clinical testing. Allele origin: germline.

Labcorp Genetics (formerly Invitae), Labcorp
Classification: Uncertain significance. Last evaluated: 2024-08-21. Review status: criteria provided, single submitter. Criteria: Invitae Variant Classification Sherloc (09022015). Collection method: clinical testing. Allele origin: germline.
Comment: This sequence change replaces serine, which is neutral and polar, with asparagine, which is neutral and polar, at codon 10 of the RHBDF2 protein (p.Ser10Asn). The frequency data for this variant in the population databases is considered unreliable, as metrics indicate poor data quality at this position in the gnomAD database. This variant has not been reported in the literature in individuals affected with RHBDF2-related conditions. An algorithm developed to predict the effect of missense changes on protein structure and function outputs the following: PolyPhen-2: "Benign". The asparagine amino acid residue is found in multiple mammalian species, which suggests that this missense change does not adversely affect protein function. In summary, the available evidence is currently insufficient to determine the role of this variant in disease. Therefore, it has been classified as a Variant of Uncertain Significance.

Baylor Genetics
Classification: Uncertain significance for Palmoplantar keratoderma-esophageal carcinoma syndrome. Last evaluated: 2023-11-20. Review status: criteria provided, single submitter. Criteria: ACMG Guidelines, 2015. Collection method: clinical testing. Allele origin: unknown.

NM_001005498.4(RHBDF2):c.29G>A (p.Ser10Asn)

Gene: RHBDF2 (rhomboid 5 homolog 2; minus strand). Cytogenetic location: 17q25.1.
Variant type: single nucleotide variant.
Coding change: c.29G>A on transcript NM_001005498.4 (MANE Select); coding-DNA position 29, G replaced by A.
Protein change: p.Ser10Asn; replaces serine 10 with asparagine.
Molecular consequence: missense variant. On other transcripts: non-coding transcript variant (3).
Genome position (GRCh38, 1-based): chr17:76,481,496, C>T on the plus strand (G>A on the coding strand, the complement: RHBDF2 is on the minus strand). VCF-style: chr17-76481496-C-T. GRCh37 (hg19) VCF-style: chr17-74477578-C-T.
Other names: c.29G>A, p.Ser10Asn (NM_001376228.1, NM_001376229.1, NM_001376230.1 and 1 more transcripts); short protein forms S10N.
Identifiers: ClinVar variation 3240347 (VCV003240347.4), dbSNP rs574978777.